The following is an entry in ClinVar:

NM_001114753.3(ENG):c.1928G>A (p.Ser643Asn)

Gene: ENG (endoglin; minus strand). Cytogenetic location: 9q34.11.
Variant type: single nucleotide variant.
Coding change: c.1928G>A on transcript NM_001114753.3 (MANE Select); coding-DNA position 1928, G replaced by A.
Protein change: p.Ser643Asn; replaces serine 643 with asparagine.
Molecular consequence: missense variant.
Genome position (GRCh38, 1-based): chr9:127,815,731, C>T on the plus strand (G>A on the coding strand, the complement: ENG is on the minus strand). VCF-style: chr9-127815731-C-T. GRCh37 (hg19) VCF-style: chr9-130578010-C-T.
Other names: c.*186G>A (NM_000118.4); c.1382G>A, p.Ser461Asn (NM_001278138.2); short protein forms S461N, S643N.
Identifiers: ClinVar variation 2430340 (VCV002430340.2), dbSNP rs2539052466, ClinGen allele CA374969958.

ClinVar aggregate classification (germline): Uncertain significance (1 of 4 stars; one submission).

Conditions:
Moyamoya disease 2 (MYMY2). Also called: MOYAMOYA DISEASE 2, SUSCEPTIBILITY TO. Identifiers: Orphanet 2573, MedGen C1846689, MONDO:0011784, OMIM 607151.

Submission:

Centre of Medical Genetics, University Hospital Muenster
Classification: Uncertain significance for Moyamoya disease 2. Last evaluated: 2022-10-17. Review status: criteria provided, single submitter. Criteria: ACMG Guidelines, 2015. Collection method: clinical testing. Allele origin: de novo. Affected: yes. Observed: 1 variant allele, 1 heterozygote.
Comment: ACMG categories: PS2,PM2,PP3